The following is an entry in ClinVar:

ClinVar aggregate classification (germline): Likely benign (1 of 4 stars; one submission).

Allele frequency attached by ClinVar (database versions not stated): gnomAD exomes below 0.00001; gnomAD 0.00001; 1000 Genomes Project 0.00020; 1000 Genomes Project 30x 0.00031.
gnomAD v4.1: 3 of 1,614,256 alleles (0.00019%); highest among the groups gnomAD compares: East Asian, 0.0022%; no homozygotes.

Submission:

CeGaT Center for Human Genetics Tuebingen
Classification: Likely benign. Last evaluated: 2023-02-01. Review status: criteria provided, single submitter. Criteria: CeGaT Center For Human Genetics Tuebingen Variant Classification Criteria Version 2. Collection method: clinical testing. Allele origin: germline. Affected: yes. Observed: 1 variant allele.
Comment: ARID1A: PP2, BP4, BS2

NM_006015.6(ARID1A):c.5398A>C (p.Asn1800His)

Gene: ARID1A (AT-rich interaction domain 1A; plus strand). Cytogenetic location: 1p36.11.
Variant type: single nucleotide variant.
Coding change: c.5398A>C on transcript NM_006015.6 (MANE Select); coding-DNA position 5398, A replaced by C.
Protein change: p.Asn1800His; replaces asparagine 1800 with histidine.
Molecular consequence: missense variant.
Genome position (GRCh38, 1-based): chr1:26,779,296, A>C. VCF-style: chr1-26779296-A-C. GRCh37 (hg19) VCF-style: chr1-27105787-A-C.
Other names: c.4747A>C, p.Asn1583His (NM_139135.4); short protein forms N1583H, N1800H.
Identifiers: ClinVar variation 2638544 (VCV002638544.24), dbSNP rs551963483, ClinGen allele CA707683.